The following is an entry in ClinVar:

ClinVar aggregate classification (germline): Uncertain significance (1 of 4 stars; one submission).

Submission:

GeneDx
Classification: Uncertain significance. Last evaluated: 2022-08-30. Review status: criteria provided, single submitter. Criteria: GeneDx Variant Classification Process June 2021. Collection method: clinical testing. Allele origin: germline. Affected: yes.
Comment: Not observed at significant frequency in large population cohorts (gnomAD); In silico analysis supports that this missense variant does not alter protein structure/function; Has not been previously published as pathogenic or benign to our knowledge

NM_000384.3(APOB):c.10129C>G (p.Leu3377Val)

Gene: APOB (apolipoprotein B; minus strand). Cytogenetic location: 2p24.1.
Variant type: single nucleotide variant.
Coding change: c.10129C>G on transcript NM_000384.3 (MANE Select); coding-DNA position 10129, C replaced by G.
Protein change: p.Leu3377Val; replaces leucine 3377 with valine.
Molecular consequence: missense variant.
Genome position (GRCh38, 1-based): chr2:21,006,739, G>C on the plus strand (C>G on the coding strand, the complement: APOB is on the minus strand). VCF-style: chr2-21006739-G-C. GRCh37 (hg19) VCF-style: chr2-21229611-G-C.
Other names: short protein forms L3377V.
Identifiers: ClinVar variation 2442501 (VCV002442501.1), dbSNP rs1572778990, ClinGen allele CA345987431.